The following is an entry in ClinVar:

ClinVar aggregate classification (germline): Benign (1 of 4 stars; one submission).

Conditions:
Prostate cancer, hereditary, 9 (HPC9). Identifiers: Orphanet 1331, MedGen C1970250, MONDO:0012597, OMIM 610997.

Submission:

Myriad Genetics, Inc.
Classification: Benign for Prostate cancer, hereditary, 9. Last evaluated: 2024-10-28. Review status: criteria provided, single submitter. Criteria: Myriad Autosomal Dominant, Autosomal Recessive and X-Linked Classification Criteria (2023). Collection method: clinical testing. Allele origin: unknown.
Comment: This variant is considered benign. This variant is a silent/synonymous amino acid change and it is not expected to impact splicing.

NM_006361.6(HOXB13):c.87C>A (p.Ala29=)

Gene: HOXB13 (homeobox B13; minus strand). Cytogenetic location: 17q21.32.
Variant type: single nucleotide variant.
Coding change: c.87C>A on transcript NM_006361.6 (MANE Select); coding-DNA position 87, C replaced by A.
Protein change: p.Ala29=; no amino-acid change (alanine 29 retained).
Molecular consequence: synonymous variant.
Genome position (GRCh38, 1-based): chr17:48,728,507, G>T on the plus strand (C>A on the coding strand, the complement: HOXB13 is on the minus strand). VCF-style: chr17-48728507-G-T. GRCh37 (hg19) VCF-style: chr17-46805869-G-T.
Identifiers: ClinVar variation 3772976 (VCV003772976.1).